The following is an entry in ClinVar:

NM_004946.3(DOCK2):c.470+5C>A

Gene: DOCK2 (dedicator of cytokinesis 2; plus strand). Cytogenetic location: 5q35.1.
Variant type: single nucleotide variant.
Coding change: c.470+5C>A on transcript NM_004946.3 (MANE Select); 5 bases into the intron after coding-DNA position 470, C replaced by A.
Molecular consequence: intron variant.
Genome position (GRCh38, 1-based): chr5:169,674,450, C>A. VCF-style: chr5-169674450-C-A. GRCh37 (hg19) VCF-style: chr5-169101454-C-A.
Identifiers: ClinVar variation 2093915 (VCV002093915.4), dbSNP rs751428460, ClinGen allele CA2580074039.
Genomic context (GRCh38, chr5:169,674,450, plus strand): 5'-GATGAGCTGAAGGAACTGAAGCAGAAAGTCACGTCCAAAATTGACTATGGCAACAAGTAA[C>A]CTCTCTTTCCTCTGCAAAGAGGTTTTCTTCCCCCAGCCATCCTCTTTCTTCCCTCTCTCC-3'

ClinVar aggregate classification (germline): Uncertain significance (1 of 4 stars; one submission).

Conditions:
DOCK2 deficiency. Also called: Immunodeficiency 40. Identifiers: Orphanet 447737, MedGen C4225328, MONDO:0014637, OMIM 616433.

gnomAD v4.1: 1 of 1,613,978 alleles (0.000062%); highest among the groups gnomAD compares: Non-Finnish European, 0.000085%; no homozygotes.

Submission:

Labcorp Genetics (formerly Invitae), Labcorp
Classification: Uncertain significance for DOCK2 deficiency. Last evaluated: 2022-06-05. Review status: criteria provided, single submitter. Criteria: Invitae Variant Classification Sherloc (09022015). Collection method: clinical testing. Allele origin: germline.
Comment: This variant has not been reported in the literature in individuals affected with DOCK2-related conditions. This variant is not present in population databases (gnomAD no frequency). This sequence change falls in intron 6 of the DOCK2 gene. It does not directly change the encoded amino acid sequence of the DOCK2 protein. It affects a nucleotide within the consensus splice site. Variants that disrupt the consensus splice site are a relatively common cause of aberrant splicing (PMID: 17576681, 9536098). Algorithms developed to predict the effect of sequence changes on RNA splicing suggest that this variant is not likely to affect RNA splicing. In summary, the available evidence is currently insufficient to determine the role of this variant in disease. Therefore, it has been classified as a Variant of Uncertain Significance.

Literature cited by the submitters: PubMed 17576681; PubMed 9536098.